The following is an entry in ClinVar:

NM_001166108.2(PALLD):c.2077G>A (p.Asp693Asn)

Gene: PALLD (palladin, cytoskeletal associated protein; plus strand). Cytogenetic location: 4q32.3.
Variant type: single nucleotide variant.
Coding change: c.2077G>A on transcript NM_001166108.2 (MANE Select); coding-DNA position 2077, G replaced by A.
Protein change: p.Asp693Asn; replaces aspartic acid 693 with asparagine.
Molecular consequence: missense variant. On other transcripts: 5 prime UTR variant (4).
Genome position (GRCh38, 1-based): chr4:168,891,034, G>A. VCF-style: chr4-168891034-G-A. GRCh37 (hg19) VCF-style: chr4-169812185-G-A.
Other names: c.931G>A, p.Asp311Asn (NM_001166109.2); c.616G>A, p.Asp206Asn (NM_001166110.2); c.-45G>A (NM_001367567.1, NM_001367568.1, NM_001367569.1 and 1 more transcripts); c.2077G>A, p.Asp693Asn (NM_016081.4); short protein forms D206N, D311N, D693N.
Identifiers: ClinVar variation 3927544 (VCV003927544.1).
Genomic context (GRCh38, chr4:168,891,034, plus strand): 5'-ATTCAAGGCACAAAGGATGCTGTTATTCAAGACCTGGAACGAAAACTTCGCTTCAAGGAG[G>A]ACCTCCTGAACAATGGCCAGCCGGTACTGATAGATTTGGGACCTGGACTTGGAATGTTAG-3'
Protein context (NP_001159580.1, residues 683-703): DLERKLRFKE[Asp693Asn]LLNNGQPRLT

ClinVar aggregate classification (germline): Uncertain significance (1 of 4 stars; one submission).

gnomAD v4.1: 1 of 1,614,154 alleles (0.000062%); highest among the groups gnomAD compares: South Asian, 0.0011%; no homozygotes.

Submission:

Ambry Genetics
Classification: Uncertain significance. Last evaluated: 2025-04-28. Review status: criteria provided, single submitter. Criteria: Ambry Variant Classification Scheme 2023. Collection method: clinical testing. Allele origin: germline.
Comment: The p.D206N variant (also known as c.616G>A), located in coding exon 2 of the PALLD gene, results from a G to A substitution at nucleotide position 616. The aspartic acid at codon 206 is replaced by asparagine, an amino acid with highly similar properties. This amino acid position is conserved. In addition, this alteration is predicted to be tolerated by in silico analysis. Based on the available evidence, the clinical significance of this variant remains unclear.